The following is an entry in ClinVar:

ClinVar aggregate classification (germline): Likely benign. Review status: criteria provided, multiple submitters, no conflicts (2 of 4 stars). 3 submissions from 3 submitters: Likely benign (2). 1 of the submissions does not count toward it. Last evaluated 2019-12-31.

Conditions:
TOP2A-related disorder. Also called: TOP2A-related condition.

Allele frequency attached by ClinVar (database versions not stated): TOPMed 0.00105; gnomAD 0.00106 and 0.00108; ESP Exome Variant Server 0.00109; gnomAD exomes 0.00120; 1000 Genomes Project 0.00140; 1000 Genomes Project 30x 0.00156; ExAC 0.00171.
gnomAD v4.1: 2,289 of 1,601,702 alleles (0.14%); highest among the groups gnomAD compares: Middle Eastern, 0.46%; 4 homozygotes.

Submissions (3):

Labcorp Genetics (formerly Invitae), Labcorp
Classification: Likely benign. Last evaluated: 2019-12-31. Review status: criteria provided, single submitter. Criteria: Invitae Variant Classification Sherloc (09022015). Collection method: clinical testing. Allele origin: germline.

Breakthrough Genomics
Classification: Likely benign. Review status: criteria provided, single submitter. Criteria: ACMG Guidelines, 2015. Collection method: not provided. Allele origin: germline. Inheritance: Unknown mechanism. Affected: yes.

PreventionGenetics, part of Exact Sciences
Classification: Likely benign for TOP2A-related condition. Last evaluated: 2022-08-12. Review status: no assertion criteria provided. Collection method: clinical testing. Allele origin: germline. Not counted in ClinVar's aggregate classification.
Comment: This variant is classified as likely benign based on ACMG/AMP sequence variant interpretation guidelines (Richards et al. 2015 PMID: 25741868, with internal and published modifications).

NM_001067.4(TOP2A):c.2321A>T (p.Asn774Ile)

Gene: TOP2A (DNA topoisomerase II alpha; minus strand). Cytogenetic location: 17q21.2.
Variant type: single nucleotide variant.
Coding change: c.2321A>T on transcript NM_001067.4 (MANE Select); coding-DNA position 2321, A replaced by T.
Protein change: p.Asn774Ile; replaces asparagine 774 with isoleucine.
Molecular consequence: missense variant.
Genome position (GRCh38, 1-based): chr17:40,403,017, T>A on the plus strand (A>T on the coding strand, the complement: TOP2A is on the minus strand). VCF-style: chr17-40403017-T-A. GRCh37 (hg19) VCF-style: chr17-38559269-T-A.
Other names: short protein forms N774I.
Identifiers: ClinVar variation 787646 (VCV000787646.7), dbSNP rs61756342, ClinGen allele CA8543388.
Genomic context (GRCh38, chr17:40,403,017, plus strand): 5'-AGCCTGGTACCAAACTGACCAATGGGCTGCAAGAGGTTTAGATTATTGCTACCCACAAAA[T>A]TCTGAGCCAAATTGATAATGGTCATCATTAGTGACATCTGTGGGGAAAAAAAGATTCATT-3'
Protein context (NP_001058.2, residues 764-784): LMMTIINLAQ[Asn774Ile]FVGSNNLNLL